The following is an entry in ClinVar:

NM_019066.5(MAGEL2):c.2057G>A (p.Trp686Ter)

Gene: MAGEL2 (MAGE family member L2; minus strand). Cytogenetic location: 15q11.2.
Variant type: single nucleotide variant.
Coding change: c.2057G>A on transcript NM_019066.5 (MANE Select); coding-DNA position 2057, G replaced by A.
Protein change: p.Trp686Ter; replaces tryptophan 686 with a stop codon.
Molecular consequence: nonsense.
Genome position (GRCh38, 1-based): chr15:23,645,686, C>T on the plus strand (G>A on the coding strand, the complement: MAGEL2 is on the minus strand). VCF-style: chr15-23645686-C-T. GRCh37 (hg19) VCF-style: chr15-23890833-C-T.
Other names: c.2057G>A (NM_019066.4); short protein forms W686*.
Identifiers: ClinVar variation 1687344 (VCV001687344.2), dbSNP rs768844200, ClinGen allele CA391332769.

ClinVar aggregate classification (germline): Pathogenic/Likely pathogenic. Review status: criteria provided, multiple submitters, no conflicts (2 of 4 stars). 2 submissions from 2 submitters: Pathogenic (1); Likely pathogenic (1). Last evaluated 2022-05-22.

Conditions:
Schaaf-Yang syndrome (SHFYNG). Also called: Arthrogryposis, distal, with hypopituitarism, intellectual disability, and facial anomalies; MAGEL2-related Prader-Willi-like syndrome. Identifiers: Orphanet 398069, MedGen C5575066, MONDO:0014243, OMIM 615547.

Submissions (2):

3billion
Classification: Likely pathogenic for Schaaf-Yang syndrome. Last evaluated: 2022-05-22. Review status: criteria provided, single submitter. Criteria: ACMG Guidelines, 2015. Collection method: clinical testing. Allele origin: germline. Affected: yes. Observed: 1 heterozygote.
Comment: The variant is not observed in the gnomAD v2.1.1 dataset. Stop-gained (nonsense): predicted to result in a loss or disruption of normal protein function through protein truncation. The predicted truncated protein may be shortened by more than 10%. Multiple pathogenic variants are reported in the predicted truncated region. Therefore, this variant is classified as likely pathogenic according to the recommendation of ACMG/AMP guideline.

Victorian Clinical Genetics Services, Murdoch Childrens Research Institute
Classification: Pathogenic for Schaaf-Yang syndrome. Last evaluated: 2020-05-21. Review status: criteria provided, single submitter. Criteria: ACMG Guidelines, 2015. Collection method: clinical testing. Allele origin: germline. Affected: yes.
Comment: Based on the classification scheme VCGS_Germline_v1.1.0, this variant is classified as Pathogenic. Following criteria are met: 0102 - Loss-of-function is a known mechanism of disease for this gene. (N) 0107 - This gene is known to be associated with autosomal dominant disease. (N) 0113 - This gene is known to be imprinted (OMIM). (N) 0204 - Variant is predicted to result in a truncated protein with more than 1/3 of the protein affected. (P) 0251 - Variant is heterozygous. (N) 0301 - Variant is absent from gnomAD. (P) 0701 - Comparable variants have very strong previous evidence for pathogenicity (ClinVar, PMID: 29359444, 30302899). (P) 0807 - Variant has not previously been reported in a clinical context. (N) 0905 - No segregation evidence has been identified for this variant. (N) 1007 - No published functional evidence has been identified for this variant. (N) Legend: (P) - Pathogenic, (N) - Neutral, (B) - Benign

Literature cited by the submitters: PubMed 29359444 (cited by Victorian Clinical Genetics Services, Murdoch Childrens Research Institute); PubMed 30302899 (cited by Victorian Clinical Genetics Services, Murdoch Childrens Research Institute).